The following is an entry in ClinVar:

ClinVar aggregate classification (germline): Pathogenic. Review status: reviewed by expert panel (3 of 4 stars). 2 submissions from 2 submitters: Pathogenic (1). 1 of the submissions does not count toward it. Last evaluated 2016-10-18.

Conditions:
Breast-ovarian cancer, familial, susceptibility to, 1 (BROVCA1). Also called: BRCA1 Hereditary Breast and Ovarian Cancer; OVARIAN CANCER, SUSCEPTIBILITY TO. Identifiers: Orphanet 145, MedGen C2676676, MONDO:0011450, OMIM 604370. Disease mechanism: loss of function.

Submissions (2):

Evidence-based Network for the Interpretation of Germline Mutant Alleles (ENIGMA)
Classification: Pathogenic for Breast-ovarian cancer, familial, susceptibility to, 1. Last evaluated: 2016-10-18. Review status: reviewed by expert panel. Criteria: ENIGMA BRCA1/2 Classification Criteria (2015). Collection method: curation. Allele origin: germline.
Comment: Variant allele predicted to encode a truncated non-functional protein.

Consortium of Investigators of Modifiers of BRCA1/2 (CIMBA), c/o University of Cambridge
Classification: Pathogenic for Breast-ovarian cancer, familial, susceptibility to, 1. Last evaluated: 2015-10-02. Review status: criteria provided, single submitter. Criteria: CIMBA Mutation Classification guidelines May 2016. Collection method: clinical testing. Allele origin: germline. Not counted in ClinVar's aggregate classification.

NM_007294.4(BRCA1):c.2538_2540delinsG (p.Met847fs)

Gene: BRCA1 (BRCA1 DNA repair associated; minus strand). Cytogenetic location: 17q21.31.
Variant type: Indel.
Coding change: c.2538_2540delinsG on transcript NM_007294.4 (MANE Select); coding-DNA positions 2538 to 2540, AAT replaced by G.
Protein change: p.Met847fs; shifts the reading frame from methionine 847.
Molecular consequence: frameshift variant. On other transcripts: intron variant (137).
Genome position (GRCh38, 1-based): chr17:43,092,991-43,092,993, ATT replaced by C on the plus strand (AAT replaced by G on the coding strand, the reverse complement: BRCA1 is on the minus strand). VCF-style: chr17-43092991-ATT-C. GRCh37 (hg19) VCF-style: chr17-41245008-ATT-C.
Other names: 2657delAATinsG; c.577+1751_577+1753delinsG (NM_001408492.1, NM_001408513.1, NM_001408489.1 and 9 more transcripts); c.643+1751_643+1753delinsG (NM_001408468.1, NM_001408465.1, NM_001408463.1 and 3 more transcripts); c.523+1751_523+1753delinsG (NM_001408501.1, NM_001408500.1, NM_001408497.1 and 3 more transcripts); c.646+1751_646+1753delinsG (NM_001408455.1, NM_001408466.1, NM_001408452.1 and 11 more transcripts); c.520+1751_520+1753delinsG (NM_001408503.1, NM_001408505.1, NM_001408504.1); c.787+1751_787+1753delinsG (NM_001407973.1, NM_001408403.1, NM_001407983.1 and 17 more transcripts); c.404-1961_404-1959delinsG (NM_001408511.1); and 42 more; short protein forms M847fs, M800fs, M551fs, M719fs, M736fs, M759fs, M777fs, M799fs.
Identifiers: ClinVar variation 266277 (VCV000266277.7), dbSNP rs886040048, ClinGen allele CA10589838.
Genomic context (GRCh38, chr17:43,092,991, plus strand): 5'-TGGCGCTTTGAAACCTTGAATGTATTCTGCAAATACTGAGCATCAAGTTCACTTTCTTCC[ATT>C]TCTATGCTTGTTTCCCGACTGTGGTTAACTTCATGTCCCAATGGATACTTAAAGCCTTCT-3'